The following is an entry in ClinVar:

ClinVar aggregate classification (germline): Likely benign (1 of 4 stars; one submission).

gnomAD v4.1: 1 of 1,614,012 alleles (0.000062%); highest among the groups gnomAD compares: Non-Finnish European, 0.000085%; no homozygotes.

Submission:

CeGaT Center for Human Genetics Tuebingen
Classification: Likely benign. Last evaluated: 2025-10-01. Review status: criteria provided, single submitter. Criteria: CeGaT Center For Human Genetics Tuebingen Variant Classification Criteria Version 2. Collection method: clinical testing. Allele origin: germline. Affected: yes. Observed: 1 variant allele.
Comment: TMX2: BP4, BP7

NM_015959.4(TMX2):c.261G>A (p.Glu87=)

Genes: TMX2 (thioredoxin related transmembrane protein 2; plus strand), TMX2-CTNND1 (TMX2-CTNND1 readthrough (NMD candidate); plus strand). Cytogenetic location: 11q12.1.
Variant type: single nucleotide variant.
Coding change: c.261G>A on transcript NM_015959.4 (MANE Select); coding-DNA position 261, G replaced by A.
Protein change: p.Glu87=; no amino-acid change (glutamic acid 87 retained).
Molecular consequence: synonymous variant. On other transcripts: 5 prime UTR variant (4), non-coding transcript variant (3), intron variant (2).
Genome position (GRCh38, 1-based): chr11:57,737,923, G>A. VCF-style: chr11-57737923-G-A. GRCh37 (hg19) VCF-style: chr11-57505395-G-A.
Other names: c.261G>A, p.Glu87= (NM_001347890.2, NM_001347898.2); c.54G>A, p.Glu18= (NM_001347892.2); c.-22G>A (NM_001347893.2, NM_001347894.2, NM_001347895.2 and 1 more transcripts); c.250+255G>A (NM_001144012.3); c.280+255G>A (NM_001347891.2).
Identifiers: ClinVar variation 4534742 (VCV004534742.6).